The following is an entry in ClinVar:

ClinVar aggregate classification (germline): Pathogenic (1 of 4 stars; one submission).

Submission:

Labcorp Genetics (formerly Invitae), Labcorp
Classification: Pathogenic. Last evaluated: 2021-06-05. Review status: criteria provided, single submitter. Criteria: Invitae Variant Classification Sherloc (09022015). Collection method: clinical testing. Allele origin: germline.
Comment: This sequence change creates a premature translational stop signal (p.Ser4696Phefs*3) in the USH2A gene. It is expected to result in an absent or disrupted protein product. Loss-of-function variants in USH2A are known to be pathogenic (PMID: 10729113, 10909849, 20507924, 25649381). This variant is not present in population databases (ExAC no frequency). This variant has not been reported in the literature in individuals with USH2A-related conditions. For these reasons, this variant has been classified as Pathogenic.

Literature cited by the submitters: PubMed 10729113; PubMed 10909849; PubMed 20507924; PubMed 25649381.

NM_206933.4(USH2A):c.14087del (p.Ser4696fs)

Gene: USH2A (usherin; minus strand). Cytogenetic location: 1q41.
Variant type: Deletion.
Coding change: c.14087del on transcript NM_206933.4 (MANE Select); coding-DNA position 14087, one base deleted (C; older notation c.14087delC).
Protein change: p.Ser4696fs; shifts the reading frame from serine 4696.
Molecular consequence: frameshift variant.
Genome position (GRCh38, 1-based): chr1:215,671,018, G deleted on the plus strand (C on the coding strand, the reverse complement: USH2A is on the minus strand). VCF-style (leftmost placement, unchanged base first): chr1-215671017-AG-A. GRCh37 (hg19) VCF-style: chr1-215844359-AG-A.
Other names: short protein forms S4696fs.
Identifiers: ClinVar variation 1455071 (VCV001455071.6), dbSNP rs2102661201, ClinGen allele CA645519365.